The following is an entry in ClinVar:

NM_006742.3(PSKH1):c.853G>A (p.Val285Ile)

Gene: PSKH1 (protein serine kinase H1; plus strand). Cytogenetic location: 16q22.1.
Variant type: single nucleotide variant.
Coding change: c.853G>A on transcript NM_006742.3 (MANE Select); coding-DNA position 853, G replaced by A.
Protein change: p.Val285Ile; replaces valine 285 with isoleucine.
Molecular consequence: missense variant.
Genome position (GRCh38, 1-based): chr16:67,909,602, G>A. VCF-style: chr16-67909602-G-A. GRCh37 (hg19) VCF-style: chr16-67943505-G-A.
Other names: short protein forms V285I.
Identifiers: ClinVar variation 4978433 (VCV004978433.1).

ClinVar aggregate classification (germline): Likely benign (1 of 4 stars; one submission).

Conditions:
PSKH1-related condition.

gnomAD v4.1: 186 of 1,613,908 alleles (0.012%); highest among the groups gnomAD compares: Middle Eastern, 0.016%; no homozygotes.

Submission:

PreventionGenetics, part of Exact Sciences
Classification: Likely benign for PSKH1-related condition. Last evaluated: 2026-06-10. Review status: criteria provided, single submitter. Criteria: ACMG Guidelines, 2015. Collection method: clinical testing. Allele origin: germline.
Comment: This variant is classified as likely benign based on ACMG/AMP sequence variant interpretation guidelines (Richards et al. 2015 PMID: 25741868, with internal and published modifications).